The following is an entry in ClinVar:

ClinVar aggregate classification (germline): Pathogenic (1 of 4 stars; one submission).

Conditions:
Neurofibromatosis, type 1 (NF1). Also called: NEUROFIBROMATOSIS, TYPE I, SOMATIC; Peripheral type neurofibromatosis; VON RECKLINGHAUSEN DISEASE; Neurofibromatosis, type I. Identifiers: Orphanet 636, MedGen C0027831, MONDO:0018975, OMIM 162200. Disease mechanism: loss of function.

Submission:

Labcorp Genetics (formerly Invitae), Labcorp
Classification: Pathogenic for Neurofibromatosis, type 1. Last evaluated: 2022-11-03. Review status: criteria provided, single submitter. Criteria: Invitae Variant Classification Sherloc (09022015). Collection method: clinical testing. Allele origin: germline.
Comment: This variant has not been reported in the literature in individuals affected with NF1-related conditions. Algorithms developed to predict the effect of sequence changes on RNA splicing suggest that this variant may create or strengthen a splice site. For these reasons, this variant has been classified as Pathogenic. This variant is not present in population databases (gnomAD no frequency). This sequence change creates a premature translational stop signal (p.Cys1465Phefs*7) in the NF1 gene. It is expected to result in an absent or disrupted protein product. Loss-of-function variants in NF1 are known to be pathogenic (PMID: 10712197, 23913538).

Literature cited by the submitters: PubMed 10712197; PubMed 23913538.

NM_001042492.3(NF1):c.4457del (p.Cys1486fs)

Gene: NF1 (neurofibromin 1; plus strand). Cytogenetic location: 17q11.2.
Variant type: Deletion.
Coding change: c.4457del on transcript NM_001042492.3 (MANE Select); coding-DNA position 4457, one base deleted (G; older notation c.4457delG).
Protein change: p.Cys1486fs; shifts the reading frame from cysteine 1486.
Molecular consequence: frameshift variant.
Genome position (GRCh38, 1-based): chr17:31,260,395, G deleted. VCF-style (leftmost placement, unchanged base first): chr17-31260394-TG-T. GRCh37 (hg19) VCF-style: chr17-29587412-TG-T.
Other names: c.4394delG, p.Cys1465Phefs (NM_000267.4); short protein forms C1486fs, C1465fs.
Identifiers: ClinVar variation 2811885 (VCV002811885.3), dbSNP rs2508420784, ClinGen allele CA2739267401.